The following is an entry in ClinVar:

ClinVar aggregate classification (germline): Conflicting classifications of pathogenicity. Review status: criteria provided, conflicting classifications (1 of 4 stars). 2 submissions from 2 submitters: Uncertain significance (1); Likely benign (1). Last evaluated 2023-12-14.

Conditions:
Periodontitis, aggressive. Identifiers: MedGen C0031106, MONDO:0980757.
Papillon-Lefèvre syndrome (PALS). Also called: KERATOSIS PALMOPLANTARIS WITH PERIODONTOPATHIA; Papillon-Lefevre Disease. Identifiers: Orphanet 678, MedGen C0030360, MONDO:0009490, OMIM 245000.
Haim-Munk syndrome (HMS). Also called: COCHIN JEWISH DISORDER; KERATOSIS PALMOPLANTARIS WITH PERIODONTOPATHIA AND ONYCHOGRYPOSIS. Identifiers: Orphanet 2342, MedGen C1855627, MONDO:0009491, OMIM 245010.
Inborn genetic diseases. Identifiers: MedGen C0950123, MeSH D030342.

Allele frequency attached by ClinVar (database versions not stated): gnomAD exomes 0.00003; ExAC 0.00019.
gnomAD v4.1: 48 of 1,579,274 alleles (0.003%); highest among the groups gnomAD compares: Non-Finnish European, 0.004%; no homozygotes.

Submissions (2):

Labcorp Genetics (formerly Invitae), Labcorp
Classification: Uncertain significance for Haim-Munk syndrome; Periodontitis, aggressive; Papillon-Lefèvre syndrome. Last evaluated: 2023-12-14. Review status: criteria provided, single submitter. Criteria: Invitae Variant Classification Sherloc (09022015). Collection method: clinical testing. Allele origin: germline.
Comment: This sequence change replaces serine, which is neutral and polar, with alanine, which is neutral and non-polar, at codon 6 of the CTSC protein (p.Ser6Ala). This variant is present in population databases (rs750157767, gnomAD 0.008%). This variant has not been reported in the literature in individuals affected with CTSC-related conditions. ClinVar contains an entry for this variant (Variation ID: 2258688). Algorithms developed to predict the effect of missense changes on protein structure and function output the following: SIFT: "Not Available"; PolyPhen-2: "Benign"; Align-GVGD: "Not Available". The alanine amino acid residue is found in multiple mammalian species, which suggests that this missense change does not adversely affect protein function. In summary, the available evidence is currently insufficient to determine the role of this variant in disease. Therefore, it has been classified as a Variant of Uncertain Significance.

Ambry Genetics
Classification: Likely benign for Inborn genetic diseases. Last evaluated: 2021-10-29. Review status: criteria provided, single submitter. Criteria: Ambry Variant Classification Scheme 2023. Collection method: clinical testing. Allele origin: germline.

NM_001814.6(CTSC):c.16T>G (p.Ser6Ala)

Genes: CTSC (cathepsin C; minus strand), LOC130006572 (ATAC-STARR-seq lymphoblastoid active region 5382; plus strand). Cytogenetic location: 11q14.2.
Variant type: single nucleotide variant.
Coding change: c.16T>G on transcript NM_001814.6 (MANE Select); coding-DNA position 16, T replaced by G.
Protein change: p.Ser6Ala; replaces serine 6 with alanine.
Molecular consequence: missense variant.
Genome position (GRCh38, 1-based): chr11:88,337,657, A>C on the plus strand (T>G on the coding strand, the complement: CTSC is on the minus strand). VCF-style: chr11-88337657-A-C. GRCh37 (hg19) VCF-style: chr11-88070825-A-C.
Other names: c.16T>G, p.Ser6Ala (NM_001114173.3, NM_148170.5); short protein forms S6A.
Identifiers: ClinVar variation 2258688 (VCV002258688.5), dbSNP rs750157767, ClinGen allele CA6220161.